The following is an entry in ClinVar:

ClinVar aggregate classification (germline): Likely pathogenic. Review status: criteria provided, multiple submitters, no conflicts (2 of 4 stars). 2 submissions from 2 submitters: Likely pathogenic (2). Last evaluated 2025-11-05.

Conditions:
Dilated cardiomyopathy 1G (CMD1G). Identifiers: Orphanet 154, MedGen C1858763, MONDO:0011400, OMIM 604145.
Autosomal recessive limb-girdle muscular dystrophy type 2J (LGMDR10). Also called: Limb-girdle muscular dystrophy, type 2J; MUSCULAR DYSTROPHY, LIMB-GIRDLE, AUTOSOMAL RECESSIVE 10. Identifiers: Orphanet 140922, MedGen C1837342, MONDO:0012127, OMIM 608807.

Submissions (2):

Labcorp Genetics (formerly Invitae), Labcorp
Classification: Likely pathogenic for Dilated cardiomyopathy 1G; Autosomal recessive limb-girdle muscular dystrophy type 2J. Last evaluated: 2025-11-05. Review status: criteria provided, single submitter. Criteria: Invitae Variant Classification Sherloc (09022015). Collection method: clinical testing. Allele origin: germline.
Comment: This sequence change creates a premature translational stop signal (p.Glu22515*) in the TTN gene. While this is not anticipated to result in nonsense mediated decay, it is expected to create a truncated TTN protein. This variant is not present in population databases (gnomAD no frequency). This variant has not been reported in the literature in individuals affected with TTN-related conditions. ClinVar contains an entry for this variant (Variation ID: 2672837). This variant is located in the A band of TTN (PMID: 25589632). Truncating variants in this region are significantly overrepresented in patients affected with dilated cardiomyopathy (PMID: 25589632). Truncating variants in this region have also been reported in individuals affected with autosomal recessive centronuclear myopathy (PMID: 23975875). In summary, the currently available evidence indicates that the variant is pathogenic, but additional data are needed to prove that conclusively. Therefore, this variant has been classified as Likely Pathogenic.

CeGaT Center for Human Genetics Tuebingen
Classification: Likely pathogenic. Last evaluated: 2023-11-01. Review status: criteria provided, single submitter. Criteria: CeGaT Center For Human Genetics Tuebingen Variant Classification Criteria Version 2. Collection method: clinical testing. Allele origin: germline. Affected: yes. Observed: 1 variant allele.
Comment: TTN: PVS1:Strong, PM2

Literature cited by the submitters: PubMed 25589632 (cited by Labcorp Genetics (formerly Invitae), Labcorp); PubMed 23975875 (cited by Labcorp Genetics (formerly Invitae), Labcorp).

NM_001267550.2(TTN):c.67543G>T (p.Glu22515Ter)

Genes: TTN (titin; minus strand), TTN-AS1 (TTN antisense RNA 1; plus strand), LOC126806423 (CDK7 strongly-dependent group 2 enhancer GRCh37_chr2:179443309-179444508; plus strand). Cytogenetic location: 2q31.2.
Variant type: single nucleotide variant.
Coding change: c.67543G>T on transcript NM_001267550.2 (MANE Select); coding-DNA position 67543, G replaced by T.
Protein change: p.Glu22515Ter; replaces glutamic acid 22515 with a stop codon.
Molecular consequence: nonsense.
Genome position (GRCh38, 1-based): chr2:178,579,654, C>A on the plus strand (G>T on the coding strand, the complement: TTN is on the minus strand). VCF-style: chr2-178579654-C-A. GRCh37 (hg19) VCF-style: chr2-179444381-C-A.
Other names: c.62620G>T, p.Glu20874Ter (NM_001256850.1); c.40348G>T, p.Glu13450Ter (NM_003319.4); c.59839G>T, p.Glu19947Ter (NM_133378.4); c.40723G>T, p.Glu13575Ter (NM_133432.3); c.40924G>T, p.Glu13642Ter (NM_133437.4); short protein forms E13450*, E13575*, E13642*, E19947*, E20874*, E22515*.
Identifiers: ClinVar variation 2672837 (VCV002672837.24), dbSNP rs2468894658, ClinGen allele CA349423528.
Genomic context (GRCh38, chr2:178,579,654, plus strand): 5'-TTGGGGTTCCTTCTCCATTTTCATTCTCAGCACTCACTCTGAAGGTATATTCCTTCCCTT[C>A]AGTCAAATCTTTTGCAGAGTACTGTAGGCTTAAGGATTTCATAACTCGTTGCCACTTATT-3'